The following is an entry in ClinVar:

ClinVar aggregate classification (germline): Uncertain significance. Review status: criteria provided, multiple submitters, no conflicts (2 of 4 stars). 2 submissions from 2 submitters: Uncertain significance (2). Last evaluated 2026-01-13.

Conditions:
Hereditary cancer-predisposing syndrome. Also called: Neoplastic Syndromes, Hereditary; Tumor predisposition; Hereditary Cancer Syndrome; Hereditary neoplastic syndrome. Identifiers: Orphanet 140162, MedGen C0027672, MeSH D009386, MONDO:0015356.

Allele frequency attached by ClinVar (database versions not stated): TOPMed below 0.00001; gnomAD exomes 0.00001 and 0.00002; ExAC 0.00002; gnomAD 0.00002; ESP Exome Variant Server 0.00008.
gnomAD v4.1: 22 of 1,611,876 alleles (0.0014%); highest among the groups gnomAD compares: African/African-American, 0.004%; no homozygotes.

Submissions (2):

Labcorp Genetics (formerly Invitae), Labcorp
Classification: Uncertain significance. Last evaluated: 2026-01-13. Review status: criteria provided, single submitter. Criteria: Invitae Variant Classification Sherloc (09022015). Collection method: clinical testing. Allele origin: germline.
Comment: This sequence change replaces tyrosine, which is neutral and polar, with cysteine, which is neutral and slightly polar, at codon 818 of the POLE protein (p.Tyr818Cys). This variant is present in population databases (rs148691442, gnomAD 0.004%). This variant has not been reported in the literature in individuals affected with POLE-related conditions. ClinVar contains an entry for this variant (Variation ID: 473529). Invitae Evidence Modeling of protein sequence and biophysical properties (such as structural, functional, and spatial information, amino acid conservation, physicochemical variation, residue mobility, and thermodynamic stability) indicates that this missense variant is expected to disrupt POLE protein function with a positive predictive value of 80%. In summary, the available evidence is currently insufficient to determine the role of this variant in disease. Therefore, it has been classified as a Variant of Uncertain Significance.

Ambry Genetics
Classification: Uncertain significance for Hereditary cancer-predisposing syndrome. Last evaluated: 2024-12-18. Review status: criteria provided, single submitter. Criteria: Ambry Variant Classification Scheme 2023. Collection method: clinical testing. Allele origin: germline.
Comment: The p.Y818C variant (also known as c.2453A>G), located in coding exon 21 of the POLE gene, results from an A to G substitution at nucleotide position 2453. The tyrosine at codon 818 is replaced by cysteine, an amino acid with highly dissimilar properties. This amino acid position is highly conserved in available vertebrate species. In addition, this alteration is predicted to be deleterious by in silico analysis. Based on the available evidence, the clinical significance of this variant remains unclear.

NM_006231.4(POLE):c.2453A>G (p.Tyr818Cys)

Gene: POLE (DNA polymerase epsilon, catalytic subunit; minus strand). Cytogenetic location: 12q24.33.
Variant type: single nucleotide variant.
Coding change: c.2453A>G on transcript NM_006231.4 (MANE Select); coding-DNA position 2453, A replaced by G.
Protein change: p.Tyr818Cys; replaces tyrosine 818 with cysteine.
Molecular consequence: missense variant.
Genome position (GRCh38, 1-based): chr12:132,665,317, T>C on the plus strand (A>G on the coding strand, the complement: POLE is on the minus strand). VCF-style: chr12-132665317-T-C. GRCh37 (hg19) VCF-style: chr12-133241903-T-C.
Other names: c.2453A>G (NM_006231.2); short protein forms Y818C.
Identifiers: ClinVar variation 473529 (VCV000473529.10), dbSNP rs148691442, ClinGen allele CA6893559.